The following is an entry in ClinVar:

ClinVar aggregate classification (germline): Conflicting classifications of pathogenicity. Review status: criteria provided, conflicting classifications (1 of 4 stars). 3 submissions from 3 submitters: Likely pathogenic (1); Uncertain significance (1). 1 of the submissions does not count toward it. Last evaluated 2024-05-08.

Conditions:
Alzheimer disease 4 (AD4). Identifiers: Orphanet 1020, MedGen C1847200, MONDO:0011743, OMIM 606889.
PSEN2-related disorder. Also called: PSEN2-related condition.

Allele frequency attached by ClinVar (database versions not stated): gnomAD exomes below 0.00001.
gnomAD v4.1: 1 of 1,613,986 alleles (0.000062%); highest among the groups gnomAD compares: Non-Finnish European, 0.000085%; no homozygotes.

Submissions (3):

GeneDx
Classification: Likely pathogenic. Last evaluated: 2024-05-08. Review status: criteria provided, single submitter. Criteria: GeneDx Variant Classification Process June 2021. Collection method: clinical testing. Allele origin: germline. Affected: yes.
Comment: Published functional studies demonstrate increased the levels of amyloid beta 40 and 42 in neuroblastoma cells (Hsu et al., 2018).; Not observed at a significant frequency in large population cohorts (Lek et al., 2016); In silico analysis supports that this missense variant has a deleterious effect on protein structure/function; Reported previously in as a likely pathogenic variant in individuals with early-onset Alzheimer disease (Lanoiselee et al., 2017; Hsu et al., 2018)) This variant is associated with the following publications: (PMID: 28350801, 30021643, 32087291)

Labcorp Genetics (formerly Invitae), Labcorp
Classification: Uncertain significance for Alzheimer disease 4. Last evaluated: 2023-10-20. Review status: criteria provided, single submitter. Criteria: Invitae Variant Classification Sherloc (09022015). Collection method: clinical testing. Allele origin: germline.
Comment: This sequence change replaces arginine, which is basic and polar, with glycine, which is neutral and non-polar, at codon 284 of the PSEN2 protein (p.Arg284Gly). This variant is present in population databases (no rsID available, gnomAD 0.0009%). This missense change has been observed in individuals with Alzheimer disease (PMID: 28350801, 30021643). Advanced modeling of protein sequence and biophysical properties (such as structural, functional, and spatial information, amino acid conservation, physicochemical variation, residue mobility, and thermodynamic stability) performed at Invitae indicates that this missense variant is expected to disrupt PSEN2 protein function with a positive predictive value of 80%. Experimental studies have shown that this missense change affects PSEN2 function (PMID: 30021643). In summary, the available evidence is currently insufficient to determine the role of this variant in disease. Therefore, it has been classified as a Variant of Uncertain Significance.

PreventionGenetics, part of Exact Sciences
Classification: Uncertain significance for PSEN2-related condition. Last evaluated: 2023-11-23. Review status: no assertion criteria provided. Collection method: clinical testing. Allele origin: germline. Not counted in ClinVar's aggregate classification.
Comment: The PSEN2 c.850A>G variant is predicted to result in the amino acid substitution p.Arg284Gly. This variant was reported in an individual with Alzheimer disease, early onset (Lanoiselée et al. 2017. PubMed ID: 28350801). In an in vitro model, the p.Arg284Gly variant resulted in a significant increase in the amyloid beta (Aβ) 42/40 ratio supporting its possible pathogenicity (Hsu et al. 2018. PubMed ID: 30021643; Hsu et al. 2020. PubMed ID: 32087291). This variant is reported in 0.00088% of alleles in individuals of European (Non-Finnish) descent in gnomAD. Although we suspect that this variant may be pathogenic, at this time, the clinical significance of this variant is uncertain due to the absence of conclusive functional and genetic evidence.

Literature cited by the submitters: PubMed 28350801 (cited by Labcorp Genetics (formerly Invitae), Labcorp); PubMed 30021643 (cited by Labcorp Genetics (formerly Invitae), Labcorp).

NM_000447.3(PSEN2):c.850A>G (p.Arg284Gly)

Gene: PSEN2 (presenilin 2; plus strand). Cytogenetic location: 1q42.13.
Variant type: single nucleotide variant.
Coding change: c.850A>G on transcript NM_000447.3 (MANE Select); coding-DNA position 850, A replaced by G.
Protein change: p.Arg284Gly; replaces arginine 284 with glycine.
Molecular consequence: missense variant.
Genome position (GRCh38, 1-based): chr1:226,890,097, A>G. VCF-style: chr1-226890097-A-G. GRCh37 (hg19) VCF-style: chr1-227077798-A-G.
Other names: c.850A>G, p.Arg284Gly (NM_012486.3); c.850A>G (NM_000447.2); short protein forms R284G.
Identifiers: ClinVar variation 2985383 (VCV002985383.6), dbSNP rs1208742830, ClinGen allele CA345042015.
Genomic context (GRCh38, chr1:226,890,097, plus strand): 5'-CTCGTGGCTGTGCTGTGTCCCAAAGGGCCTCTGAGAATGCTGGTAGAAACTGCCCAGGAG[A>G]GAAATGAGCCCATATTCCCTGCCCTGATATACTCATGTGAGTGAGCCCCCCGTGCCTCTG-3'
Protein context (NP_000438.2, residues 274-294): LRMLVETAQE[Arg284Gly]NEPIFPALIY